The following is an entry in ClinVar:

NM_000093.5(COL5A1):c.655-106G>A

Gene: COL5A1 (collagen type V alpha 1 chain; plus strand). Cytogenetic location: 9q34.3.
Variant type: single nucleotide variant.
Coding change: c.655-106G>A on transcript NM_000093.5 (MANE Select); 106 bases into the intron before coding-DNA position 655, G replaced by A.
Molecular consequence: intron variant.
Genome position (GRCh38, 1-based): chr9:134,727,160, G>A. VCF-style: chr9-134727160-G-A. GRCh37 (hg19) VCF-style: chr9-137619006-G-A.
Other names: c.655-106G>A (NM_001278074.1).
Identifiers: ClinVar variation 674319 (VCV000674319.2), dbSNP rs116164506, ClinGen allele CA201106317.

ClinVar aggregate classification (germline): Likely benign. Review status: criteria provided, multiple submitters, no conflicts (2 of 4 stars). 2 submissions from 2 submitters: Likely benign (2). Last evaluated 2018-06-14.

Allele frequency attached by ClinVar (database versions not stated): gnomAD 0.02060 and 0.02309; TOPMed 0.02085; 1000 Genomes Project 0.04373; 1000 Genomes Project 30x 0.04482.
gnomAD v4.1: 22,543 of 1,205,268 alleles (1.9%); highest among the groups gnomAD compares: South Asian, 11%; 713 homozygotes.

Submissions (2):

GeneDx
Classification: Likely benign. Last evaluated: 2018-06-14. Review status: criteria provided, single submitter. Criteria: GeneDx Variant Classification (06012015). Collection method: clinical testing. Allele origin: germline. Affected: yes.
Comment: This variant is considered likely benign or benign based on one or more of the following criteria: it is a conservative change, it occurs at a poorly conserved position in the protein, it is predicted to be benign by multiple in silico algorithms, and/or has population frequency not consistent with disease.

Breakthrough Genomics
Classification: Likely benign. Review status: criteria provided, single submitter. Criteria: ACMG Guidelines, 2015. Collection method: not provided. Allele origin: germline. Inheritance: Autosomal dominant inheritance. Affected: yes.